The following is an entry in ClinVar:

NM_001370259.2(MEN1):c.1700C>T (p.Ala567Val)

Gene: MEN1 (menin 1; minus strand). Cytogenetic location: 11q13.1.
Variant type: single nucleotide variant.
Coding change: c.1700C>T on transcript NM_001370259.2 (MANE Select); coding-DNA position 1700, C replaced by T.
Protein change: p.Ala567Val; replaces alanine 567 with valine.
Molecular consequence: missense variant. On other transcripts: non-coding transcript variant (4).
Genome position (GRCh38, 1-based): chr11:64,804,467, G>A on the plus strand (C>T on the coding strand, the complement: MEN1 is on the minus strand). VCF-style: chr11-64804467-G-A. GRCh37 (hg19) VCF-style: chr11-64571939-G-A.
Other names: c.1715C>T, p.Ala572Val (NM_000244.4, NM_001407145.1, NM_130800.3 and 4 more transcripts); c.1826C>T, p.Ala609Val (NM_001370251.2, NM_001407142.1, NM_001407143.1 and 1 more transcripts); c.1700C>T, p.Ala567Val (NM_001370260.2, NM_001370261.2, NM_001407146.1 and 2 more transcripts); c.1595C>T, p.Ala532Val (NM_001370262.2, NM_001370263.2, NM_001407148.1 and 1 more transcripts); c.1841C>T, p.Ala614Val (NM_001407150.1); c.1721C>T, p.Ala574Val (NM_001407151.1); c.1535C>T, p.Ala512Val (NM_001407152.1); short protein forms A574V, A512V, A532V, A572V, A614V, A609V, A567V.
Identifiers: ClinVar variation 2624634 (VCV002624634.2), dbSNP rs1592629850, ClinGen allele CA381177635.
Genomic context (GRCh38, chr11:64,804,467, plus strand): 5'-ATCTGCACTTGCGACTGTGCCGTGAGTTGCAGCTTGATGGCGCTCGAGTTGATCTTGGTG[G>A]CCACCAGCAGCTCCTTCATGCCCTTCATCTTCTCACTCTGGAAAGTGAGCACTGGACCCT-3'
Protein context (NP_001357188.2, residues 557-577): KMKGMKELLV[Ala567Val]TKINSSAIKL

ClinVar aggregate classification (germline): Uncertain significance (1 of 4 stars; one submission).

Conditions:
Hereditary cancer-predisposing syndrome. Also called: Tumor predisposition; Hereditary Cancer Syndrome; Hereditary neoplastic syndrome; Neoplastic Syndromes, Hereditary. Identifiers: Orphanet 140162, MedGen C0027672, MeSH D009386, MONDO:0015356.

Submission:

Ambry Genetics
Classification: Uncertain significance for Hereditary cancer-predisposing syndrome. Last evaluated: 2023-09-05. Review status: criteria provided, single submitter. Criteria: Ambry Variant Classification Scheme 2023. Collection method: clinical testing. Allele origin: germline.
Comment: The p.A567V variant (also known as c.1700C>T), located in coding exon 9 of the MEN1 gene, results from a C to T substitution at nucleotide position 1700. The alanine at codon 567 is replaced by valine, an amino acid with similar properties. This amino acid position is conserved. In addition, this alteration is predicted to be deleterious by in silico analysis. Since supporting evidence is limited at this time, the clinical significance of this alteration remains unclear.